The following is an entry in ClinVar:

NM_025137.4(SPG11):c.3880A>G (p.Arg1294Gly)

Gene: SPG11 (SPG11 vesicle trafficking associated, spatacsin; minus strand). Cytogenetic location: 15q21.1.
Variant type: single nucleotide variant.
Coding change: c.3880A>G on transcript NM_025137.4 (MANE Select); coding-DNA position 3880, A replaced by G.
Protein change: p.Arg1294Gly; replaces arginine 1294 with glycine.
Molecular consequence: missense variant.
Genome position (GRCh38, 1-based): chr15:44,598,643, T>C on the plus strand (A>G on the coding strand, the complement: SPG11 is on the minus strand). VCF-style: chr15-44598643-T-C. GRCh37 (hg19) VCF-style: chr15-44890841-T-C.
Other names: c.3880A>G, p.Arg1294Gly (NM_001160227.2); short protein forms R1294G.
Identifiers: ClinVar variation 655700 (VCV000655700.8), dbSNP rs1595863721, ClinGen allele CA392229932.
Genomic context (GRCh38, chr15:44,598,643, plus strand): 5'-TCGTCACACCTTCTCTAAACAAAGCAGGCCAGATAAAAGGTGCTGTACCTACAGACTCTC[T>C]GATAAAGCTGTACTGAGCATCTTCATTTCTGCACTTGTAGCTCAAAATTATATTGGCCAC-3'
Protein context (NP_079413.3, residues 1284-1304): RNEDAQYSFI[Arg1294Gly]ESVAEKLSKL

ClinVar aggregate classification (germline): Uncertain significance (1 of 4 stars; one submission).

Conditions:
Hereditary spastic paraplegia 11. Also called: SPASTIC PARAPLEGIA, AUTOSOMAL RECESSIVE, COMPLICATED, WITH THIN CORPUS CALLOSUM; SPASTIC PARAPLEGIA, AUTOSOMAL RECESSIVE, WITH MENTAL IMPAIRMENT AND THIN CORPUS CALLOSUM; Spastic paraplegia, mental retardation and thin corpus callosum; Nakamura Osame syndrome; Autosomal recessive hereditary spastic paraplegia, mental impairment, and thin corpus callosum; Spastic Paraplegia 11. Identifiers: Orphanet 2822, MedGen C1858479, MONDO:0011445, OMIM 604360.

Submission:

Labcorp Genetics (formerly Invitae), Labcorp
Classification: Uncertain significance for Hereditary spastic paraplegia 11. Last evaluated: 2018-12-21. Review status: criteria provided, single submitter. Criteria: Invitae Variant Classification Sherloc (09022015). Collection method: clinical testing. Allele origin: germline.
Comment: In summary, the available evidence is currently insufficient to determine the role of this variant in disease. Therefore, it has been classified as a Variant of Uncertain Significance. Algorithms developed to predict the effect of missense changes on protein structure and function are either unavailable or do not agree on the potential impact of this missense change (SIFT: "Deleterious"; PolyPhen-2: "Possibly Damaging"; Align-GVGD: "Class C15"). This variant has not been reported in the literature in individuals with SPG11-related conditions. This variant is not present in population databases (ExAC no frequency). This sequence change replaces arginine with glycine at codon 1294 of the SPG11 protein (p.Arg1294Gly). The arginine residue is highly conserved and there is a moderate physicochemical difference between arginine and glycine.